The following is an entry in ClinVar:

NC_012920.1(MT-TQ):m.4340A>G

Gene: MT-TQ (mitochondrially encoded tRNA glutamine; minus strand).
Variant type: single nucleotide variant.
Genome position: chrM-4340-A-G.
Identifiers: ClinVar variation 689888 (VCV000689888.1), dbSNP rs1603219416, ClinGen allele CA913177788.

ClinVar aggregate classification (germline): Benign (1 of 4 stars; one submission).

Conditions:
MELAS syndrome (MELAS). Also called: Juvenile myopathy, encephalopathy, lactic acidosis, stroke. Identifiers: Orphanet 550, MedGen C0162671, MONDO:0010789, OMIM 540000.

Submission:

Wong Mito Lab, Molecular and Human Genetics, Baylor College of Medicine
Classification: Benign for MELAS syndrome. Last evaluated: 2019-07-12. Review status: criteria provided, single submitter. Criteria: Modified ACMG Guidelines (Unpublished). Collection method: clinical testing. Allele origin: germline.
Comment: The NC_012920.1:m.4340A>G variant in MT-TQ gene is interpreted to be a Benign variant based on the modified ACMG guidelines (unpublished). This variant meets the following evidence codes reported in the guidelines: BS1, BS4, BP4

Literature cited by the submitters: PubMed 31965079.